The following is an entry in ClinVar:

ClinVar aggregate classification (germline): Uncertain significance. Review status: criteria provided, multiple submitters, no conflicts (2 of 4 stars). 3 submissions from 3 submitters: Uncertain significance (3). Last evaluated 2025-10-01.

Conditions:
Meckel-Gruber syndrome. Also called: Dysencephalia splachnocystica; DYSENCEPHALIA SPLANCHNOCYSTICA; GRUBER SYNDROME. Identifiers: Orphanet 564, MedGen C0265215, MONDO:0018921.
Joubert syndrome. Also called: Familial aplasia of the vermis; JOUBERT-BOLTSHAUSER SYNDROME. Identifiers: Orphanet 475, MedGen C5979921, MONDO:0018772.
Inborn genetic diseases. Identifiers: MedGen C0950123, MeSH D030342.

Allele frequency attached by ClinVar (database versions not stated): gnomAD exomes below 0.00001; TOPMed below 0.00001; gnomAD 0.00001.
gnomAD v4.1: 4 of 1,613,938 alleles (0.00025%); highest among the groups gnomAD compares: Middle Eastern, 0.033%; no homozygotes.

Submissions (3):

CeGaT Center for Human Genetics Tuebingen
Classification: Uncertain significance. Last evaluated: 2025-10-01. Review status: criteria provided, single submitter. Criteria: CeGaT Center For Human Genetics Tuebingen Variant Classification Criteria Version 2. Collection method: clinical testing. Allele origin: germline. Affected: yes. Observed: 1 variant allele.
Comment: RPGRIP1L: PM2, BP4

Ambry Genetics
Classification: Uncertain significance for Inborn genetic diseases. Last evaluated: 2025-04-13. Review status: criteria provided, single submitter. Criteria: Ambry Variant Classification Scheme 2023. Collection method: clinical testing. Allele origin: germline.

Labcorp Genetics (formerly Invitae), Labcorp
Classification: Uncertain significance for Joubert syndrome; Meckel-Gruber syndrome. Last evaluated: 2024-01-22. Review status: criteria provided, single submitter. Criteria: Invitae Variant Classification Sherloc (09022015). Collection method: clinical testing. Allele origin: germline.
Comment: This sequence change replaces aspartic acid, which is acidic and polar, with asparagine, which is neutral and polar, at codon 543 of the RPGRIP1L protein (p.Asp543Asn). This variant is not present in population databases (gnomAD no frequency). This variant has not been reported in the literature in individuals affected with RPGRIP1L-related conditions. ClinVar contains an entry for this variant (Variation ID: 2072411). Advanced modeling of protein sequence and biophysical properties (such as structural, functional, and spatial information, amino acid conservation, physicochemical variation, residue mobility, and thermodynamic stability) performed at Invitae indicates that this missense variant is expected to disrupt RPGRIP1L protein function with a positive predictive value of 80%. In summary, the available evidence is currently insufficient to determine the role of this variant in disease. Therefore, it has been classified as a Variant of Uncertain Significance.

NM_015272.5(RPGRIP1L):c.1627G>A (p.Asp543Asn)

Gene: RPGRIP1L (RPGRIP1 like; minus strand). Cytogenetic location: 16q12.2.
Variant type: single nucleotide variant.
Coding change: c.1627G>A on transcript NM_015272.5 (MANE Select); coding-DNA position 1627, G replaced by A.
Protein change: p.Asp543Asn; replaces aspartic acid 543 with asparagine.
Molecular consequence: missense variant.
Genome position (GRCh38, 1-based): chr16:53,656,544, C>T on the plus strand (G>A on the coding strand, the complement: RPGRIP1L is on the minus strand). VCF-style: chr16-53656544-C-T. GRCh37 (hg19) VCF-style: chr16-53690456-C-T.
Other names: c.1627G>A, p.Asp543Asn (NM_001127897.4, NM_001308334.3, NM_001330538.2); c.1627G>A (NM_015272.2); short protein forms D543N.
Identifiers: ClinVar variation 2072411 (VCV002072411.10), dbSNP rs748010169, ClinGen allele CA281346515.